The following is an entry in ClinVar:

NM_003476.5(CSRP3):c.299G>A (p.Arg100His)

Gene: CSRP3 (cysteine and glycine rich protein 3; minus strand). Cytogenetic location: 11p15.1.
Variant type: single nucleotide variant.
Coding change: c.299G>A on transcript NM_003476.5 (MANE Select); coding-DNA position 299, G replaced by A.
Protein change: p.Arg100His; replaces arginine 100 with histidine.
Molecular consequence: missense variant.
Genome position (GRCh38, 1-based): chr11:19,186,331, C>T on the plus strand (G>A on the coding strand, the complement: CSRP3 is on the minus strand). VCF-style: chr11-19186331-C-T. GRCh37 (hg19) VCF-style: chr11-19207878-C-T.
Other names: p.R100H:CGC>CAC; c.130G>A, p.Ala44Thr (NM_001369404.1); short protein forms R100H, A44T.
Identifiers: ClinVar variation 44694 (VCV000044694.54), dbSNP rs138218523, ClinGen allele CA134891.

ClinVar aggregate classification (germline): Conflicting classifications of pathogenicity. Review status: criteria provided, conflicting classifications (1 of 4 stars). 18 submissions from 18 submitters: Uncertain significance (2); Benign (3); Likely benign (8). 5 of the submissions do not count toward it. Last evaluated 2026-01-26.

Conditions:
CSRP3-related disorder. Also called: CSRP3-related condition; CSRP3-related disorders.
Cardiovascular phenotype. Identifiers: MedGen CN230736.
Hypertrophic cardiomyopathy 12. Identifiers: MedGen C2677491, MONDO:0012804, OMIM 612124.
Dilated cardiomyopathy 1M (CMD1M). Identifiers: Orphanet 154, MedGen C1843808, MONDO:0011840, OMIM 607482.
Cardiomyopathy (CMYO). Also called: Cardiomyopathies. Identifiers: Orphanet 167848, MedGen C0878544, MONDO:0004994, HP:0001638. Inheritance: Various modes of inheritance.
Hypertrophic cardiomyopathy. Also called: HYPERTROPHIC MYOCARDIOPATHY. Identifiers: Orphanet 217569, MedGen C0007194, MeSH D002312, MONDO:0005045, HP:0001639.

Allele frequency attached by ClinVar (database versions not stated): 1000 Genomes Project 30x 0.00016; 1000 Genomes Project 0.00020; TOPMed 0.00042; ESP Exome Variant Server 0.00054; gnomAD 0.00091 and 0.00097; gnomAD exomes 0.00117; ExAC 0.00143.
gnomAD v4.1: 1,241 of 1,614,156 alleles (0.077%); highest among the groups gnomAD compares: Non-Finnish European, 0.073%; 4 homozygotes.

Submissions (18):

Labcorp Genetics (formerly Invitae), Labcorp
Classification: Benign for Hypertrophic cardiomyopathy 12; Dilated cardiomyopathy 1M. Last evaluated: 2026-01-26. Review status: criteria provided, single submitter. Criteria: Invitae Variant Classification Sherloc (09022015). Collection method: clinical testing. Allele origin: germline.

Molecular Diagnostic Laboratory for Inherited Cardiovascular Disease, Montreal Heart Institute
Classification: Likely benign. Last evaluated: 2025-04-09. Review status: criteria provided, single submitter. Criteria: ACMG Guidelines, 2015. Collection method: clinical testing. Allele origin: germline. Affected: no.

Blueprint Genetics
Classification: Likely benign. Last evaluated: 2024-10-18. Review status: criteria provided, single submitter. Criteria: ACMG Guidelines, 2015. Collection method: clinical testing. Allele origin: germline.

Mayo Clinic Laboratories, Mayo Clinic
Classification: Benign. Last evaluated: 2024-07-31. Review status: criteria provided, single submitter. Criteria: ACMG Guidelines, 2015. Collection method: clinical testing. Allele origin: germline. Observed: 2 variant alleles.
Comment: BS1, BS2

Women's Health and Genetics/Laboratory Corporation of America, LabCorp
Classification: Likely benign. Last evaluated: 2021-10-02. Review status: criteria provided, single submitter. Criteria: LabCorp Variant Classification Summary - May 2015. Collection method: clinical testing. Allele origin: germline.

GeneDx
Classification: Likely benign. Last evaluated: 2020-07-16. Review status: criteria provided, single submitter. Criteria: GeneDx Variant Classification Process June 2021. Collection method: clinical testing. Allele origin: germline. Affected: yes.
Comment: In silico analysis supports that this missense variant does not alter protein structure/function; This variant is associated with the following publications: (PMID: 23299917, 24082139, 19035361, 23861362, 30012424)

ARUP Laboratories, Molecular Genetics and Genomics, ARUP Laboratories
Classification: Likely benign. Last evaluated: 2019-04-07. Review status: criteria provided, single submitter. Criteria: ARUP Molecular Germline Variant Investigation Process. Collection method: clinical testing. Allele origin: germline.

Ambry Genetics
Classification: Likely benign for Cardiovascular phenotype. Last evaluated: 2019-02-05. Review status: criteria provided, single submitter. Criteria: Ambry Variant Classification Scheme 2023. Collection method: clinical testing. Allele origin: germline.

CHEO Genetics Diagnostic Laboratory, Children's Hospital of Eastern Ontario
Classification: Benign for Cardiomyopathy. Last evaluated: 2018-05-04. Review status: criteria provided, single submitter. Criteria: ACMG Guidelines, 2015. Collection method: clinical testing. Allele origin: germline.

Biesecker Lab/Clinical Genomics Section, National Institutes of Health
Classification: Likely benign for Cardiomyopathy, hypertrophic. Last evaluated: 2018-04-05. Review status: criteria provided, single submitter. Criteria: ACMG Guidelines, 2015. Collection method: research. Allele origin: unknown. Affected: no. Observed: 1 variant allele.
Comment: The study set was not selected for affection status in relation to arrhythmia or cardiomyopathy. Pathogenicity categories were based on literature curation. See Pubmed ID:25741868 for details.

Medical sequencing

Center for Pediatric Genomic Medicine, Children's Mercy Hospital and Clinics
Classification: Likely benign. Last evaluated: 2017-08-24. Review status: criteria provided, single submitter. Criteria: ACMG Guidelines, 2015. Collection method: clinical testing. Allele origin: germline.

Illumina Laboratory Services, Illumina
Classification: Uncertain significance for Hypertrophic cardiomyopathy 12. Last evaluated: 2017-04-27. Review status: criteria provided, single submitter. Criteria: ICSL Variant Classification Criteria 13 December 2019. Collection method: clinical testing. Allele origin: germline.
Comment: This variant was observed as part of a predisposition screen in an ostensibly healthy population. A literature search was performed for the gene, cDNA change, and amino acid change (where applicable). Publications were found based on this search. However, the evidence from the literature, in combination with allele frequency data from public databases where available, was not sufficient to rule this variant in or out of causing disease. Therefore, this variant is classified as a variant of unknown significance.

Laboratory for Molecular Medicine, Mass General Brigham Personalized Medicine
Classification: Uncertain significance. Last evaluated: 2012-03-06. Review status: criteria provided, single submitter. Criteria: LMM Criteria. Collection method: clinical testing. Allele origin: germline. Observed: 2 variant alleles.
Comment: Variant classified as Uncertain Significance - Favor Benign. This variant has been identified in 0.1% (6/7020) of European American chromosomes from a broad population by the NH LBI Exome Sequencing Project (dbSNP rs13821852 3). While this frequency suggests that it is more likely benign but it is too lo w to confidently rule out a disease causing role. Additional information is need ed to fully assess its clinical significance.

PreventionGenetics, part of Exact Sciences
Classification: Likely benign for CSRP3-related condition. Last evaluated: 2020-09-05. Review status: no assertion criteria provided. Collection method: clinical testing. Allele origin: germline. Not counted in ClinVar's aggregate classification.
Comment: This variant is classified as likely benign based on ACMG/AMP sequence variant interpretation guidelines (Richards et al. 2015 PMID: 25741868, with internal and published modifications).

Clinical Genetics, Academic Medical Center
Classification: Likely benign. Review status: no assertion criteria provided. Collection method: clinical testing. Allele origin: germline. Affected: yes. Study: VKGL Data-share Consensus. Not counted in ClinVar's aggregate classification.

Diagnostic Laboratory, Department of Genetics, University Medical Center Groningen
Classification: Likely benign. Review status: no assertion criteria provided. Collection method: clinical testing. Allele origin: germline. Affected: yes. Study: VKGL Data-share Consensus. Not counted in ClinVar's aggregate classification.

Joint Genome Diagnostic Labs from Nijmegen and Maastricht, Radboudumc and MUMC+
Classification: Likely benign. Review status: no assertion criteria provided. Collection method: clinical testing. Allele origin: germline. Affected: yes. Study: VKGL Data-share Consensus. Not counted in ClinVar's aggregate classification.

Zaffran Lab, Genetics of Cardiac Diseases Laboratory, Marseille Medical Genetics
Classification: Uncertain significance for hypertrophic cardiomyopathy. Review status: no assertion criteria provided. Collection method: research. Allele origin: unknown. Affected: yes. Not counted in ClinVar's aggregate classification.

Literature cited by the submitters: PubMed 19035361 (cited by 3 submitters); PubMed 23299917 (cited by Ambry Genetics); PubMed 23861362 (cited by Ambry Genetics); PubMed 24082139 (cited by Ambry Genetics); PubMed 30012424 (cited by Ambry Genetics).